The following is an entry in ClinVar:

ClinVar aggregate classification (germline): Likely benign (0 of 4 stars; one submission).

Conditions:
PCSK1-related disorder. Also called: PCSK1-related condition.

Allele frequency attached by ClinVar (database versions not stated): gnomAD exomes 0.00004; gnomAD 0.00003; ExAC 0.00011.
gnomAD v4.1: 55 of 1,597,686 alleles (0.0034%); highest among the groups gnomAD compares: South Asian, 0.054%; 1 homozygote.

Submission:

PreventionGenetics, part of Exact Sciences
Classification: Likely benign for PCSK1-related condition. Last evaluated: 2023-08-01. Review status: no assertion criteria provided. Collection method: clinical testing. Allele origin: germline.
Comment: This variant is classified as likely benign based on ACMG/AMP sequence variant interpretation guidelines (Richards et al. 2015 PMID: 25741868, with internal and published modifications).

NM_000439.5(PCSK1):c.1431-9T>C

Genes: CAST (calpastatin; plus strand), PCSK1 (proprotein convertase subtilisin/kexin type 1; minus strand), LOC101929710 (uncharacterized LOC101929710; plus strand). Cytogenetic location: 5q15.
Variant type: single nucleotide variant.
Coding change: c.1431-9T>C on transcript NM_000439.5 (MANE Select); 9 bases into the intron before coding-DNA position 1431, T replaced by C.
Molecular consequence: intron variant.
Genome position (GRCh38, 1-based): chr5:96,399,045, A>G on the plus strand (T>C on the coding strand, the complement: PCSK1 is on the minus strand). VCF-style: chr5-96399045-A-G. GRCh37 (hg19) VCF-style: chr5-95734749-A-G.
Other names: c.-175+19393A>G (NM_001423250.1, NM_001423251.1, NM_001423256.1 and 6 more transcripts); c.-40+19393A>G (NM_001423258.1); c.1290-9T>C (NM_001177875.2); c.-103+19393A>G (NM_001423253.1).
Identifiers: ClinVar variation 3039707 (VCV003039707.2), dbSNP rs758587953, ClinGen allele CA3350211.